The following is an entry in ClinVar:

NM_001098.3(ACO2):c.1954-13G>A

Genes: ACO2 (aconitase 2; plus strand), POLR3H (RNA polymerase III subunit H; minus strand). Cytogenetic location: 22q13.2.
Variant type: single nucleotide variant.
Coding change: c.1954-13G>A on transcript NM_001098.3 (MANE Select); 13 bases into the intron before coding-DNA position 1954, G replaced by A.
Molecular consequence: intron variant. On other transcripts: 3 prime UTR variant (5).
Genome position (GRCh38, 1-based): chr22:41,527,275, G>A. VCF-style: chr22-41527275-G-A. GRCh37 (hg19) VCF-style: chr22-41923279-G-A.
Other names: c.*2008C>T (NM_001018050.4, NM_001018052.4, NM_001282884.2 and 2 more transcripts).
Identifiers: ClinVar variation 136264 (VCV000136264.11), dbSNP rs142233044, ClinGen allele CA289262.

ClinVar aggregate classification (germline): Benign. Review status: criteria provided, multiple submitters, no conflicts (2 of 4 stars). 3 submissions from 3 submitters: Benign (3). Last evaluated 2026-01-28.

Allele frequency attached by ClinVar (database versions not stated): gnomAD exomes 0.00127 and 0.00330; ExAC 0.00377; gnomAD 0.01089 and 0.01150; ESP Exome Variant Server 0.01223; TOPMed 0.01283; 1000 Genomes Project 0.01378; 1000 Genomes Project 30x 0.01437.
gnomAD v4.1: 3,645 of 1,614,098 alleles (0.23%); highest among the groups gnomAD compares: African/African-American, 3.6%; 62 homozygotes.

Submissions (3):

Labcorp Genetics (formerly Invitae), Labcorp
Classification: Benign. Last evaluated: 2026-01-28. Review status: criteria provided, single submitter. Criteria: Invitae Variant Classification Sherloc (09022015). Collection method: clinical testing. Allele origin: germline.

GeneDx
Classification: Benign. Last evaluated: 2014-03-14. Review status: criteria provided, single submitter. Criteria: GeneDx Variant Classification (06012015). Collection method: clinical testing. Allele origin: germline. Affected: yes.
Comment: This variant is considered likely benign or benign based on one or more of the following criteria: it is a conservative change, it occurs at a poorly conserved position in the protein, it is predicted to be benign by multiple in silico algorithms, and/or has population frequency not consistent with disease.

Breakthrough Genomics
Classification: Benign. Review status: criteria provided, single submitter. Criteria: ACMG Guidelines, 2015. Collection method: not provided. Allele origin: germline. Inheritance: Autosomal recessive inheritance. Affected: yes.